The following is an entry in ClinVar:

ClinVar aggregate classification (germline): Uncertain significance (1 of 4 stars; one submission).

Submission:

GeneDx
Classification: Uncertain significance. Last evaluated: 2023-09-28. Review status: criteria provided, single submitter. Criteria: GeneDx Variant Classification Process June 2021. Collection method: clinical testing. Allele origin: germline. Affected: yes.
Comment: Frameshift variant predicted to result in protein truncation, as the last 74 amino acids are replaced with 32 different amino acids in a gene for which loss-of-function is not an established mechanism of disease; Not observed at significant frequency in large population cohorts (gnomAD); Has not been previously published as pathogenic or benign to our knowledge

NM_001454.4(FOXJ1):c.1022_1040dup (p.Ile348fs)

Gene: FOXJ1 (forkhead box J1; minus strand). Cytogenetic location: 17q25.1.
Variant type: Duplication.
Coding change: c.1022_1040dup on transcript NM_001454.4 (MANE Select); coding-DNA positions 1022 to 1040, 19 bases duplicated (ACGTGGACGTGGACCTCAC).
Protein change: p.Ile348fs; shifts the reading frame from isoleucine 348.
Molecular consequence: frameshift variant.
Genome position (GRCh38, 1-based): chr17:76,137,579-76,137,597, GTGAGGTCCACGTCCACGT duplicated on the plus strand (ACGTGGACGTGGACCTCAC on the coding strand, the reverse complement: FOXJ1 is on the minus strand); duplicating any 19 consecutive bases within chr17:76,137,579-76,137,603 gives the same sequence; the c. name uses the placement nearest the transcript's 3' end. VCF-style (leftmost placement, unchanged base first): chr17-76137578-G-GGTGAGGTCCACGTCCACGT. GRCh37 (hg19) VCF-style: chr17-74133659-G-GGTGAGGTCCACGTCCACGT.
Other names: short protein forms I348fs.
Identifiers: ClinVar variation 3252221 (VCV003252221.1), dbSNP rs2509838250.